The following is an entry in ClinVar:

NM_000512.5(GALNS):c.775C>T (p.Arg259Trp)

Gene: GALNS (galactosamine (N-acetyl)-6-sulfatase; minus strand). Cytogenetic location: 16q24.3.
Variant type: single nucleotide variant.
Coding change: c.775C>T on transcript NM_000512.5 (MANE Select); coding-DNA position 775, C replaced by T.
Protein change: p.Arg259Trp; replaces arginine 259 with tryptophan.
Molecular consequence: missense variant.
Genome position (GRCh38, 1-based): chr16:88,835,336, G>A on the plus strand (C>T on the coding strand, the complement: GALNS is on the minus strand). VCF-style: chr16-88835336-G-A. GRCh37 (hg19) VCF-style: chr16-88901744-G-A.
Other names: c.220C>T, p.Arg74Trp (NM_001323543.2); c.793C>T, p.Arg265Trp (NM_001323544.2); c.775C>T (NM_000512.4); short protein forms R259W, R265W, R74W.
Identifiers: ClinVar variation 1675645 (VCV001675645.38), dbSNP rs61742258, ClinGen allele CA8234975.

ClinVar aggregate classification (germline): Conflicting classifications of pathogenicity. Review status: criteria provided, conflicting classifications (1 of 4 stars). 6 submissions from 6 submitters: Pathogenic (2); Likely pathogenic (3); Uncertain significance (1). Last evaluated 2024-03-23.

Conditions:
Mucopolysaccharidosis, MPS-IV-A (MPS4A). Also called: MORQUIO A DISEASE; mucopolysaccharidosis type 4A; Mucopolysaccharidosis type IV A; Mucopolysaccharidosis Type IVA; Morquio syndrome A, mild; MORQUIO SYNDROME A. Identifiers: Orphanet 309297, Orphanet 582, MedGen C0086651, MONDO:0009659, OMIM 253000.
GALNS-related disorders.

gnomAD v4.1: 10 of 1,613,554 alleles (0.00062%); highest among the groups gnomAD compares: South Asian, 0.0011%; no homozygotes.

Submissions (6):

Fulgent Genetics
Classification: Likely pathogenic for Mucopolysaccharidosis, MPS-IV-A. Last evaluated: 2024-03-23. Review status: criteria provided, single submitter. Criteria: ACMG Guidelines, 2015. Collection method: clinical testing. Allele origin: germline.

Women's Health and Genetics/Laboratory Corporation of America, LabCorp
Classification: Uncertain significance. Last evaluated: 2024-02-16. Review status: criteria provided, single submitter. Criteria: LabCorp Variant Classification Summary - May 2015. Collection method: clinical testing. Allele origin: germline.
Comment: Variant summary: GALNS c.775C>T (p.Arg259Trp) results in a non-conservative amino acid change located in the Sulfatase, N-terminal (IPR000917) of the encoded protein sequence. Five of five in-silico tools predict a damaging effect of the variant on protein function. The variant allele was found at a frequency of 8e-06 in 250168 control chromosomes. c.775C>T has been reported in the literature in at-least three unrelated individuals affected with Mucopolysaccharidosis Type IVA (Morquio Syndrome A), in each case, this variant was seen along with a different apparently pathogenic variant (example, Lv_2021, Moosa_2022, Yi_2022). These data indicate that the variant may be associated with disease. To our knowledge, no experimental evidence demonstrating an impact on protein function has been reported. The following publications have been ascertained in the context of this evaluation (PMID: 34557487, 35616356, 35212421). ClinVar contains an entry for this variant (Variation ID: 1675645). Based on the evidence outlined above, the variant was classified as VUS-possibly pathogenic.

GeneDx
Classification: Pathogenic. Last evaluated: 2023-08-10. Review status: criteria provided, single submitter. Criteria: GeneDx Variant Classification Process June 2021. Collection method: clinical testing. Allele origin: germline. Affected: yes.
Comment: Not observed at significant frequency in large population cohorts (gnomAD); In silico analysis supports that this missense variant has a deleterious effect on protein structure/function; This variant is associated with the following publications: (PMID: 35212421, 34557487, 35616356)

Blueprint Genetics
Classification: Likely pathogenic for GALNS-related disorders. Last evaluated: 2023-01-27. Review status: criteria provided, single submitter. Criteria: ACMG Guidelines, 2015. Collection method: clinical testing. Allele origin: germline. Affected: yes. Observed: 1 variant allele.

CeGaT Center for Human Genetics Tuebingen
Classification: Likely pathogenic. Last evaluated: 2022-01-01. Review status: criteria provided, single submitter. Criteria: CeGaT Center For Human Genetics Tuebingen Variant Classification Criteria Version 2. Collection method: clinical testing. Allele origin: germline. Affected: yes. Observed: 1 variant allele.

Genetics and Genomic Medicine Centre, NeuroGen Healthcare, NeuroGen Healthcare
Classification: Pathogenic for Mucopolysaccharidosis, MPS-IV-A. Last evaluated: 2021-05-31. Review status: criteria provided, single submitter. Criteria: Submitter's publication. Collection method: clinical testing. Allele origin: unknown. Affected: no.

Literature cited by the submitters: PubMed 35212421 (cited by Women's Health and Genetics/Laboratory Corporation of America, LabCorp); PubMed 34557487 (cited by Women's Health and Genetics/Laboratory Corporation of America, LabCorp); PubMed 35616356 (cited by Women's Health and Genetics/Laboratory Corporation of America, LabCorp).